The following is an entry in ClinVar:

NM_023036.6(DNAI2):c.1414C>T (p.Gln472Ter)

Gene: DNAI2 (dynein axonemal intermediate chain 2; plus strand). Cytogenetic location: 17q25.1.
Variant type: single nucleotide variant.
Coding change: c.1414C>T on transcript NM_023036.6 (MANE Select); coding-DNA position 1414, C replaced by T.
Protein change: p.Gln472Ter; replaces glutamine 472 with a stop codon.
Molecular consequence: nonsense. On other transcripts: non-coding transcript variant (1).
Genome position (GRCh38, 1-based): chr17:74,310,083, C>T. VCF-style: chr17-74310083-C-T. GRCh37 (hg19) VCF-style: chr17-72306222-C-T.
Other names: c.1414C>T (NM_023036.5); c.1378C>T, p.Gln460Ter (NM_001172810.3); c.1414C>T, p.Gln472Ter (NM_001353167.2); short protein forms Q472*, Q460*.
Identifiers: ClinVar variation 454933 (VCV000454933.9), dbSNP rs756868374, ClinGen allele CA8745772.

ClinVar aggregate classification (germline): Pathogenic/Likely pathogenic. Review status: criteria provided, multiple submitters, no conflicts (2 of 4 stars). 3 submissions from 3 submitters: Pathogenic (1); Likely pathogenic (2). Last evaluated 2024-11-07.

Conditions:
Primary ciliary dyskinesia. Also called: Ciliary dyskinesia. Identifiers: Orphanet 244, MedGen C0008780, MONDO:0016575, HP:0012265.
Primary ciliary dyskinesia 9. Also called: CILIARY DYSKINESIA, PRIMARY, 9, WITH OR WITHOUT SITUS INVERSUS. Identifiers: Orphanet 244, MedGen C2676235, MONDO:0012906, OMIM 612444.

Allele frequency attached by ClinVar (database versions not stated): gnomAD exomes 0.00004 and 0.00003; ExAC 0.00007; gnomAD 0.00001; TOPMed 0.00001.
gnomAD v4.1: 50 of 1,613,804 alleles (0.0031%); highest among the groups gnomAD compares: Non-Finnish European, 0.0042%; no homozygotes.

Submissions (3):

Natera, Inc.
Classification: Likely pathogenic for Primary ciliary dyskinesia. Last evaluated: 2024-11-07. Review status: criteria provided, single submitter. Criteria: Natera Variant Classification Schema (03/2026). Collection method: clinical testing. Allele origin: germline.
Comment: The c.1414C>T variant in DNAI2 is a nonsense variant predicted to introduce a stop codon at amino acid 472. This variant is expected to result in nonsense mediated decay, truncation, or a dysfunctional protein product. This variant is rare in the general population with a frequency below the threshold expected for the associated phenotype(s). Given the available evidence, this variant is classified as Likely Pathogenic.

Labcorp Genetics (formerly Invitae), Labcorp
Classification: Pathogenic for Primary ciliary dyskinesia. Last evaluated: 2024-02-09. Review status: criteria provided, single submitter. Criteria: Invitae Variant Classification Sherloc (09022015). Collection method: clinical testing. Allele origin: germline.
Comment: This sequence change creates a premature translational stop signal (p.Gln472*) in the DNAI2 gene. It is expected to result in an absent or disrupted protein product. Loss-of-function variants in DNAI2 are known to be pathogenic (PMID: 18950741, 23891469). This variant is present in population databases (rs756868374, gnomAD 0.009%). This variant has not been reported in the literature in individuals affected with DNAI2-related conditions. ClinVar contains an entry for this variant (Variation ID: 454933). For these reasons, this variant has been classified as Pathogenic.

Fulgent Genetics
Classification: Likely pathogenic for Primary ciliary dyskinesia 9. Last evaluated: 2022-03-20. Review status: criteria provided, single submitter. Criteria: ACMG Guidelines, 2015. Collection method: clinical testing. Allele origin: unknown.

Literature cited by the submitters: PubMed 18950741 (cited by Labcorp Genetics (formerly Invitae), Labcorp); PubMed 23891469 (cited by Labcorp Genetics (formerly Invitae), Labcorp).